The following is an entry in ClinVar:

NM_006231.4(POLE):c.5532G>A (p.Met1844Ile)

Gene: POLE (DNA polymerase epsilon, catalytic subunit; minus strand). Cytogenetic location: 12q24.33.
Variant type: single nucleotide variant.
Coding change: c.5532G>A on transcript NM_006231.4 (MANE Select); coding-DNA position 5532, G replaced by A.
Protein change: p.Met1844Ile; replaces methionine 1844 with isoleucine.
Molecular consequence: missense variant.
Genome position (GRCh38, 1-based): chr12:132,639,145, C>T on the plus strand (G>A on the coding strand, the complement: POLE is on the minus strand). VCF-style: chr12-132639145-C-T. GRCh37 (hg19) VCF-style: chr12-133215731-C-T.
Other names: short protein forms M1844I.
Identifiers: ClinVar variation 3658581 (VCV003658581.2).

ClinVar aggregate classification (germline): Uncertain significance (1 of 4 stars; one submission).

Submission:

Labcorp Genetics (formerly Invitae), Labcorp
Classification: Uncertain significance. Last evaluated: 2024-07-03. Review status: criteria provided, single submitter. Criteria: Invitae Variant Classification Sherloc (09022015). Collection method: clinical testing. Allele origin: germline.
Comment: This sequence change replaces methionine, which is neutral and non-polar, with isoleucine, which is neutral and non-polar, at codon 1844 of the POLE protein (p.Met1844Ile). This variant is not present in population databases (gnomAD no frequency). This variant has not been reported in the literature in individuals affected with POLE-related conditions. Advanced modeling of protein sequence and biophysical properties (such as structural, functional, and spatial information, amino acid conservation, physicochemical variation, residue mobility, and thermodynamic stability) performed at Invitae indicates that this missense variant is not expected to disrupt POLE protein function with a negative predictive value of 80%. In summary, the available evidence is currently insufficient to determine the role of this variant in disease. Therefore, it has been classified as a Variant of Uncertain Significance.